The following is an entry in ClinVar:

NM_002693.3(POLG):c.1570C>G (p.Pro524Ala)

Gene: POLG (DNA polymerase gamma, catalytic subunit; minus strand). Cytogenetic location: 15q26.1.
Variant type: single nucleotide variant.
Coding change: c.1570C>G on transcript NM_002693.3 (MANE Select); coding-DNA position 1570, C replaced by G.
Protein change: p.Pro524Ala; replaces proline 524 with alanine.
Molecular consequence: missense variant.
Genome position (GRCh38, 1-based): chr15:89,326,927, G>C on the plus strand (C>G on the coding strand, the complement: POLG is on the minus strand). VCF-style: chr15-89326927-G-C. GRCh37 (hg19) VCF-style: chr15-89870158-G-C.
Other names: p.P524A:CCC>GCC; c.1570C>G, p.Pro524Ala (NM_001126131.2); short protein forms P524A.
Identifiers: ClinVar variation 206631 (VCV000206631.16), dbSNP rs577476988, ClinGen allele CA316899.

ClinVar aggregate classification (germline): Uncertain significance. Review status: criteria provided, multiple submitters, no conflicts (2 of 4 stars). 5 submissions from 5 submitters: Uncertain significance (5). Last evaluated 2024-12-24.

Conditions:
Progressive external ophthalmoplegia with mitochondrial DNA deletions, autosomal dominant 1 (PEOA1). Also called: PROGRESSIVE EXTERNAL OPHTHALMOPLEGIA, AUTOSOMAL DOMINANT 1; Autosomal Dominant Progressive External Ophthalmoplegia (adPEO). Identifiers: MedGen C1834846, MONDO:0024528, OMIM 157640.
Progressive external ophthalmoplegia with mitochondrial DNA deletions, autosomal recessive 1 (PEOB1). Also called: Autosomal Recessive Progressive External Ophthalmoplegia (arPEO); Progressive external ophthalmoplegia, autosomal recessive 1. Identifiers: Orphanet 254886, MedGen C4225153, MONDO:0009783, OMIM 258450.
Progressive sclerosing poliodystrophy (MTDPS4A). Also called: ALPERS DIFFUSE DEGENERATION OF CEREBRAL GRAY MATTER WITH HEPATIC CIRRHOSIS; Alpers-Huttenlocher Syndrome; ALPERS PROGRESSIVE INFANTILE POLIODYSTROPHY; NEURONAL DEGENERATION OF CHILDHOOD WITH LIVER DISEASE, PROGRESSIVE; Mitochondrial DNA Depletion Syndrome 4A; Alpers-Huttenlocher Syndrome (AHS). Identifiers: Orphanet 726, MedGen C0205710, MONDO:0008758, OMIM 203700.
Mitochondrial DNA depletion syndrome 1. Also called: Mitochondrial Neurogastrointestinal Encephalopathy Disease; MITOCHONDRIAL NEUROGASTROINTESTINAL ENCEPHALOPATHY SYNDROME, TYMP-RELATED; MNGIE, TYMP-RELATED; POLIP SYNDROME; POLYNEUROPATHY, OPHTHALMOPLEGIA, LEUKOENCEPHALOPATHY, AND INTESTINAL PSEUDOOBSTRUCTION; Mitochondrial DNA Depletion Syndrome, MNGIE Form. Identifiers: Orphanet 298, MedGen C4551995, MONDO:0011283, OMIM 603041.
Sensory ataxic neuropathy, dysarthria, and ophthalmoparesis (SANDO). Also called: SENSORY ATAXIC NEUROPATHY WITH MITOCHONDRIAL DNA DELETIONS, AUTOSOMAL RECESSIVE; Epilepsy, progressive myoclonic, type 5; Sensory ataxic neuropathy-dysarthria-ophthalmoparesis syndrome; Ataxia Neuropathy Spectrum (ANS). Identifiers: Orphanet 70595, MedGen C1843851, MONDO:0011835, OMIM 607459.
Mitochondrial DNA depletion syndrome 4b. Also called: MNGIE, POLG-RELATED; Mitochondrial Neurogastrointestinal Encephalopathy Disease, POLG-Related. Identifiers: Orphanet 298, MedGen C3150914, MONDO:0013350, OMIM 613662.

Allele frequency attached by ClinVar (database versions not stated): 1000 Genomes Project 30x 0.00016; 1000 Genomes Project 0.00020; TOPMed 0.00001.
gnomAD v4.1: 50 of 1,614,094 alleles (0.0031%); highest among the groups gnomAD compares: Non-Finnish European, 0.0039%; no homozygotes.

Submissions (5):

Labcorp Genetics (formerly Invitae), Labcorp
Classification: Uncertain significance for Progressive sclerosing poliodystrophy. Last evaluated: 2024-12-24. Review status: criteria provided, single submitter. Criteria: Invitae Variant Classification Sherloc (09022015). Collection method: clinical testing. Allele origin: germline.
Comment: This sequence change replaces proline, which is neutral and non-polar, with alanine, which is neutral and non-polar, at codon 524 of the POLG protein (p.Pro524Ala). This variant is present in population databases (rs577476988, gnomAD 0.006%). This variant has not been reported in the literature in individuals affected with POLG-related conditions. ClinVar contains an entry for this variant (Variation ID: 206631). Invitae Evidence Modeling of protein sequence and biophysical properties (such as structural, functional, and spatial information, amino acid conservation, physicochemical variation, residue mobility, and thermodynamic stability) indicates that this missense variant is not expected to disrupt POLG protein function with a negative predictive value of 95%. In summary, the available evidence is currently insufficient to determine the role of this variant in disease. Therefore, it has been classified as a Variant of Uncertain Significance.

Fulgent Genetics
Classification: Uncertain significance for Progressive external ophthalmoplegia with mitochondrial DNA deletions, autosomal dominant 1; Progressive sclerosing poliodystrophy; Progressive external ophthalmoplegia with mitochondrial DNA deletions, autosomal recessive 1; Mitochondrial DNA depletion syndrome 1; Sensory ataxic neuropathy, dysarthria, and ophthalmoparesis; Mitochondrial DNA depletion syndrome 4b. Last evaluated: 2021-08-12. Review status: criteria provided, single submitter. Criteria: ACMG Guidelines, 2015. Collection method: clinical testing. Allele origin: unknown.

Mayo Clinic Laboratories, Mayo Clinic
Classification: Uncertain significance. Last evaluated: 2020-07-31. Review status: criteria provided, single submitter. Criteria: ACMG Guidelines, 2015. Collection method: clinical testing. Allele origin: germline. Observed: 1 variant allele.

Eurofins Ntd Llc (ga)
Classification: Uncertain significance. Last evaluated: 2018-05-02. Review status: criteria provided, single submitter. Criteria: EGL ClinVar v180209 classification definitions. Collection method: clinical testing. Allele origin: germline. Observed: 1 variant allele, 1 heterozygote.

GeneDx
Classification: Uncertain significance. Last evaluated: 2016-08-16. Review status: criteria provided, single submitter. Criteria: GeneDx Variant Classification (06012015). Collection method: clinical testing. Allele origin: germline. Affected: yes.
Comment: p.Pro524Ala (CCC>GCC): c.1570 C>G in exon 8 of the POLG gene (NM_002693.2). The P524A variant has not been published as a mutation, nor has it been reported as a benign polymorphism to our knowledge. It was not observed in approximately 6,500 individuals of European and African American ancestry in the NHLBI Exome Sequencing Project, indicating it is not a common benign variant in these populations. This substitution occurs at a position that is not conserved across species, and Alanine has been seen at this position in evolution. In silico analysis predicts this variant likely does not alter the protein structure/function. However, the P524A variant is a semi-conservative amino acid substitution, which may impact secondary protein structure as these residues differ in some properties. Therefore, based on the currently available information, it is unclear whether this variant is a pathogenic mutation or a rare benign variant. The variant is found in EPILEPSY panel(s).